The following is an entry in ClinVar:

NM_016120.4(RLIM):c.1114C>T (p.Arg372Trp)

Gene: RLIM (ring finger protein, LIM domain interacting; minus strand). Cytogenetic location: Xq13.2.
Variant type: single nucleotide variant.
Coding change: c.1114C>T on transcript NM_016120.4 (MANE Select); coding-DNA position 1114, C replaced by T.
Protein change: p.Arg372Trp; replaces arginine 372 with tryptophan.
Molecular consequence: missense variant.
Genome position (GRCh38, 1-based): chrX:74,592,201, G>A on the plus strand (C>T on the coding strand, the complement: RLIM is on the minus strand). VCF-style: chrX-74592201-G-A. GRCh37 (hg19) VCF-style: chrX-73812036-G-A.
Other names: c.1114C>T, p.Arg372Trp (NM_183353.3); short protein forms R372W.
Identifiers: ClinVar variation 4292448 (VCV004292448.1).

ClinVar aggregate classification (germline): Uncertain significance (1 of 4 stars; one submission).

Conditions:
Intellectual disability, X-linked 61 (TOKAS). Also called: TONNE-KALSCHEUER SYNDROME. Identifiers: MedGen C4283894, MONDO:0010506, OMIM 300978.

gnomAD v4.1: 2 of 1,211,467 alleles (0.00017%); highest among the groups gnomAD compares: Non-Finnish European, 0.00011%; no homozygotes.

Submission:

3billion
Classification: Uncertain significance for Intellectual disability, X-linked 61. Last evaluated: 2024-07-23. Review status: criteria provided, single submitter. Criteria: ACMG Guidelines, 2015. Collection method: clinical testing. Allele origin: germline. Affected: yes.
Comment: The variant is observed at an extremely low frequency in the gnomAD v4.0.0 dataset (total allele frequency: <0.001%). Predicted Consequence/Location: Missense changes are a common disease-causing mechanism. In silico tool predictions suggest damaging effect of the variant on gene or gene product [3Cnet: 0.97 (>=0.6, sensitivity 0.72 and precision 0.9)]. Therefore, this variant is classified as VUS according to the recommendation of ACMG/AMP guideline.